The following is an entry in ClinVar:

ClinVar aggregate classification (germline): Pathogenic (1 of 4 stars; one submission).

Conditions:
Familial adenomatous polyposis 1 (FAP1). Also called: POLYPOSIS, ADENOMATOUS INTESTINAL; FAMILIAL ADENOMATOUS POLYPOSIS 1, ATTENUATED. Identifiers: MedGen C2713442, MONDO:0021056, OMIM 175100. Disease mechanism: loss of function.

Submission:

Myriad Genetics, Inc.
Classification: Pathogenic for Familial adenomatous polyposis 1. Last evaluated: 2023-05-12. Review status: criteria provided, single submitter. Criteria: Myriad Autosomal Dominant, Autosomal Recessive and X-Linked Classification Criteria (2023). Collection method: clinical testing. Allele origin: unknown.
Comment: This variant is considered pathogenic. This variant creates a frameshift predicted to result in premature protein truncation.

NM_000038.6(APC):c.4913dup (p.Met1638fs)

Gene: APC (APC regulator of Wnt signaling pathway; plus strand). Cytogenetic location: 5q22.2.
Variant type: Duplication.
Coding change: c.4913dup on transcript NM_000038.6 (MANE Select); coding-DNA position 4913, one base duplicated (T; older notation c.4913dupT).
Protein change: p.Met1638fs; shifts the reading frame from methionine 1638.
Molecular consequence: frameshift variant. On other transcripts: non-coding transcript variant (2).
Genome position (GRCh38, 1-based): chr5:112,840,507, T duplicated. VCF-style (leftmost placement, unchanged base first): chr5-112840506-A-AT. GRCh37 (hg19) VCF-style: chr5-112176203-A-AT.
Other names: c.4913dup, p.Met1638fs (NM_001127510.3, NM_001354895.2, NM_001407450.1); c.4859dup, p.Met1620fs (NM_001127511.3); c.4967dup, p.Met1656fs (NM_001354896.2, NM_001407447.1, NM_001407448.1 and 1 more transcripts); c.4943dup, p.Met1648fs (NM_001354897.2); c.4838dup, p.Met1613fs (NM_001354898.2); c.4829dup, p.Met1610fs (NM_001354899.2); c.4790dup, p.Met1597fs (NM_001354900.2); c.4736dup, p.Met1579fs (NM_001354901.2, NM_001407453.1); and 11 more; short protein forms M1254fs, M1355fs, M1478fs, M1509fs, M1512fs, M1537fs, M1547fs, M1555fs.
Identifiers: ClinVar variation 2583400 (VCV002583400.2), dbSNP rs2533608126, ClinGen allele CA2580610723.